The following is an entry in ClinVar:

NM_014795.4(ZEB2):c.1053_1058delinsAAGAA (p.Ser352fs)

Gene: ZEB2 (zinc finger E-box binding homeobox 2; minus strand). Cytogenetic location: 2q22.3.
Variant type: Indel.
Coding change: c.1053_1058delinsAAGAA on transcript NM_014795.4 (MANE Select); coding-DNA positions 1053 to 1058, TTCTTC replaced by AAGAA.
Protein change: p.Ser352fs; shifts the reading frame from serine 352.
Molecular consequence: frameshift variant.
Genome position (GRCh38, 1-based): chr2:144,400,129-144,400,134, GAAGAA replaced by TTCTT on the plus strand (TTCTTC replaced by AAGAA on the coding strand, the reverse complement: ZEB2 is on the minus strand). VCF-style: chr2-144400129-GAAGAA-TTCTT. GRCh37 (hg19) VCF-style: chr2-145157696-GAAGAA-TTCTT.
Other names: c.981_986delinsAAGAA, p.Ser328fs (NM_001171653.2); short protein forms S328fs, S352fs.
Identifiers: ClinVar variation 818054 (VCV000818054.1), dbSNP rs1573717593, ClinGen allele CA915942797.
Genomic context (GRCh38, chr2:144,400,129, plus strand): 5'-AACTTGTTTCTTAACTGGGTAATGGCTGAATTAGTAGGAGAAGAAGAAACAGAATTAGGG[GAAGAA>TTCTT]CCCGTCTTGATATTGTTTCTCATTCGGCCATTTACAGAGATTAAACCAATACATTTCTTG-3'

ClinVar aggregate classification (germline): Pathogenic (1 of 4 stars; one submission).

Submission:

GeneDx
Classification: Pathogenic. Last evaluated: 2019-03-01. Review status: criteria provided, single submitter. Criteria: GeneDx Variant Classification (06012015). Collection method: clinical testing. Allele origin: germline. Affected: yes.
Comment: The c.1053_1058delTTCTTCinsAAGAA pathogenic variant in the ZEB2 gene causes a frameshift starting with codon Serine 352, changes this amino acid to an Arginine residue and creates a premature Stop codon at position 18 of the new reading frame, denoted p.Ser352ArgfsX18. This pathogenic variant is predicted to cause loss of normal protein function either through protein truncation or nonsense-mediated mRNA decay. The c.1053_1058delTTCTTCinsAAGAA variant is not observed in large population cohorts (Lek et al., 2016).